The following is an entry in ClinVar:

ClinVar aggregate classification (germline): Conflicting classifications of pathogenicity. Review status: criteria provided, conflicting classifications (1 of 4 stars). 2 submissions from 2 submitters: Uncertain significance (1); Benign (1). Last evaluated 2025-11-01.

gnomAD v4.1: 920 of 1,613,982 alleles (0.057%); highest among the groups gnomAD compares: African/African-American, 0.91%; 6 homozygotes.

Submissions (2):

CeGaT Center for Human Genetics Tuebingen
Classification: Benign. Last evaluated: 2025-11-01. Review status: criteria provided, single submitter. Criteria: CeGaT Center For Human Genetics Tuebingen Variant Classification Criteria Version 2. Collection method: clinical testing. Allele origin: germline. Affected: yes. Observed: 1 variant allele.
Comment: MYOCD: BP4, BS1, BS2

Ambry Genetics
Classification: Uncertain significance. Last evaluated: 2025-09-26. Review status: criteria provided, single submitter. Criteria: Ambry Variant Classification Scheme 2023. Collection method: clinical testing. Allele origin: germline.

NM_001146312.3(MYOCD):c.2323G>A (p.Val775Ile)

Gene: MYOCD (myocardin; plus strand). Cytogenetic location: 17p12.
Variant type: single nucleotide variant.
Coding change: c.2323G>A on transcript NM_001146312.3 (MANE Select); coding-DNA position 2323, G replaced by A.
Protein change: p.Val775Ile; replaces valine 775 with isoleucine.
Molecular consequence: missense variant.
Genome position (GRCh38, 1-based): chr17:12,758,205, G>A. VCF-style: chr17-12758205-G-A. GRCh37 (hg19) VCF-style: chr17-12661522-G-A.
Other names: c.2086G>A, p.Val696Ile (NM_001378306.1); c.2179G>A, p.Val727Ile (NM_153604.4); c.2323G>A (NM_001146312.1); short protein forms V696I, V727I, V775I.
Identifiers: ClinVar variation 4533597 (VCV004533597.6).